The following is an entry in ClinVar:

NM_000533.5(PLP1):c.248G>A (p.Gly83Glu)

Genes: PLP1 (proteolipid protein 1; plus strand), RAB9B (RAB9B, member RAS oncogene family; minus strand). Cytogenetic location: Xq22.2.
Variant type: single nucleotide variant.
Coding change: c.248G>A on transcript NM_000533.5 (MANE Select); coding-DNA position 248, G replaced by A.
Protein change: p.Gly83Glu; replaces glycine 83 with glutamic acid.
Molecular consequence: missense variant.
Genome position (GRCh38, 1-based): chrX:103,786,521, G>A. VCF-style: chrX-103786521-G-A. GRCh37 (hg19) VCF-style: chrX-103041450-G-A.
Other names: c.248G>A, p.Gly83Glu (NM_001128834.3, NM_199478.3); c.83G>A, p.Gly28Glu (NM_001305004.1); short protein forms G28E, G83E.
Identifiers: ClinVar variation 3009577 (VCV003009577.4), dbSNP rs2522306997, ClinGen allele CA414102522.
Genomic context (GRCh38, chrX:103,786,521, plus strand): 5'-GCAGGATCCATGCCTTCCAGTATGTCATCTATGGAACTGCCTCTTTCTTCTTCCTTTATG[G>A]GGCCCTCCTGCTGGCTGAGGGCTTCTACACCACCGGCGCAGTCAGGCAGATCTTTGGCGA-3'
Protein context (NP_000524.3, residues 73-93): YGTASFFFLY[Gly83Glu]ALLLAEGFYT

ClinVar aggregate classification (germline): Uncertain significance (1 of 4 stars; one submission).

Conditions:
Hereditary spastic paraplegia 2 (SPG2). Also called: Spastic Paraplegia 2 (SPG2); SPASTIC PARAPLEGIA 2, X-LINKED. Identifiers: Orphanet 99015, MedGen C0751604, MONDO:0010733, OMIM 312920.

Submissions (2):

Labcorp Genetics (formerly Invitae), Labcorp
Classification: Uncertain significance for Hereditary spastic paraplegia 2. Last evaluated: 2023-06-22. Review status: criteria provided, single submitter. Criteria: Invitae Variant Classification Sherloc (09022015). Collection method: clinical testing. Allele origin: germline.
Comment: In summary, the available evidence is currently insufficient to determine the role of this variant in disease. Therefore, it has been classified as a Variant of Uncertain Significance. Algorithms developed to predict the effect of sequence changes on RNA splicing suggest that this variant may create or strengthen a splice site. Advanced modeling of protein sequence and biophysical properties (such as structural, functional, and spatial information, amino acid conservation, physicochemical variation, residue mobility, and thermodynamic stability) performed at Invitae indicates that this missense variant is not expected to disrupt PLP1 protein function. This variant has not been reported in the literature in individuals affected with PLP1-related conditions. This sequence change replaces glycine, which is neutral and non-polar, with glutamic acid, which is acidic and polar, at codon 83 of the PLP1 protein (p.Gly83Glu). This variant is not present in population databases (gnomAD no frequency).

Dr. Peter K. Rogan Lab, Western University
No classification provided (evidence only). Condition: Thyroid cancer, nonmedullary, 1. Review status: no classification provided. Collection method: in vitro. Allele origin: not applicable. Functional consequence: retained intron. Not counted in ClinVar's aggregate classification.